The following is an entry in ClinVar:

NM_001170700.3(DTHD1):c.1625C>A (p.Thr542Lys)

Gene: DTHD1 (death domain containing 1; plus strand). Cytogenetic location: 4p14.
Variant type: single nucleotide variant.
Coding change: c.1625C>A on transcript NM_001170700.3 (MANE Select); coding-DNA position 1625, C replaced by A.
Protein change: p.Thr542Lys; replaces threonine 542 with lysine.
Molecular consequence: missense variant. On other transcripts: non-coding transcript variant (2).
Genome position (GRCh38, 1-based): chr4:36,295,021, C>A. VCF-style: chr4-36295021-C-A. GRCh37 (hg19) VCF-style: chr4-36296643-C-A.
Other names: c.755C>A, p.Thr252Lys (NM_001136536.5); c.692C>A, p.Thr231Lys (NM_001378435.1); short protein forms T231K, T252K, T542K.
Identifiers: ClinVar variation 2179828 (VCV002179828.5), dbSNP rs758507951, ClinGen allele CA356680218.

ClinVar aggregate classification (germline): Uncertain significance. Review status: criteria provided, multiple submitters, no conflicts (2 of 4 stars). 2 submissions from 2 submitters: Uncertain significance (2). Last evaluated 2025-03-17.

Allele frequency attached by ClinVar (database versions not stated): gnomAD 0.00002; TOPMed 0.00002.
gnomAD v4.1: 21 of 1,542,492 alleles (0.0014%); highest among the groups gnomAD compares: Middle Eastern, 0.017%; no homozygotes.

Submissions (2):

Labcorp Genetics (formerly Invitae), Labcorp
Classification: Uncertain significance. Last evaluated: 2025-03-17. Review status: criteria provided, single submitter. Criteria: Invitae Variant Classification Sherloc (09022015). Collection method: clinical testing. Allele origin: germline.
Comment: This sequence change replaces threonine, which is neutral and polar, with lysine, which is basic and polar, at codon 252 of the DTHD1 protein (p.Thr252Lys). This variant is not present in population databases (gnomAD no frequency). This variant has not been reported in the literature in individuals affected with DTHD1-related conditions. ClinVar contains an entry for this variant (Variation ID: 2179828). An algorithm developed to predict the effect of missense changes on protein structure and function (PolyPhen-2) suggests that this variant is likely to be tolerated. In summary, the available evidence is currently insufficient to determine the role of this variant in disease. Therefore, it has been classified as a Variant of Uncertain Significance.

Blueprint Genetics
Classification: Uncertain significance. Last evaluated: 2024-06-06. Review status: criteria provided, single submitter. Criteria: ACMG Guidelines, 2015. Collection method: clinical testing. Allele origin: germline.